The following is an entry in ClinVar:

NM_020964.3(EPG5):c.1112A>G (p.Lys371Arg)

Gene: EPG5 (ectopic P-granules 5 autophagy tethering factor; minus strand). Cytogenetic location: 18q21.1.
Variant type: single nucleotide variant.
Coding change: c.1112A>G on transcript NM_020964.3 (MANE Select); coding-DNA position 1112, A replaced by G.
Protein change: p.Lys371Arg; replaces lysine 371 with arginine.
Molecular consequence: missense variant.
Genome position (GRCh38, 1-based): chr18:45,952,540, T>C on the plus strand (A>G on the coding strand, the complement: EPG5 is on the minus strand). VCF-style: chr18-45952540-T-C. GRCh37 (hg19) VCF-style: chr18-43532506-T-C.
Other names: short protein forms K371R.
Identifiers: ClinVar variation 1387987 (VCV001387987.7), dbSNP rs2143748127, ClinGen allele CA402350236.

ClinVar aggregate classification (germline): Uncertain significance (1 of 4 stars; one submission).

Conditions:
Vici syndrome (VICIS). Identifiers: Orphanet 1493, MedGen C1855772, MONDO:0009452, OMIM 242840.

Submission:

Labcorp Genetics (formerly Invitae), Labcorp
Classification: Uncertain significance for Vici syndrome. Last evaluated: 2022-09-13. Review status: criteria provided, single submitter. Criteria: Invitae Variant Classification Sherloc (09022015). Collection method: clinical testing. Allele origin: germline.
Comment: In summary, the available evidence is currently insufficient to determine the role of this variant in disease. Therefore, it has been classified as a Variant of Uncertain Significance. Algorithms developed to predict the effect of sequence changes on RNA splicing suggest that this variant may create or strengthen a splice site. This sequence change replaces lysine, which is basic and polar, with arginine, which is basic and polar, at codon 371 of the EPG5 protein (p.Lys371Arg). This variant is not present in population databases (gnomAD no frequency). This variant has not been reported in the literature in individuals affected with EPG5-related conditions. ClinVar contains an entry for this variant (Variation ID: 1387987). Advanced modeling of protein sequence and biophysical properties (such as structural, functional, and spatial information, amino acid conservation, physicochemical variation, residue mobility, and thermodynamic stability) performed at Invitae indicates that this missense variant is not expected to disrupt EPG5 protein function.